The following is an entry in ClinVar:

NM_001378454.1(ALMS1):c.5925G>T (p.Glu1975Asp)

Gene: ALMS1 (ALMS1 centrosome and basal body associated protein; plus strand). Cytogenetic location: 2p13.1.
Variant type: single nucleotide variant.
Coding change: c.5925G>T on transcript NM_001378454.1 (MANE Select); coding-DNA position 5925, G replaced by T.
Protein change: p.Glu1975Asp; replaces glutamic acid 1975 with aspartic acid.
Molecular consequence: missense variant.
Genome position (GRCh38, 1-based): chr2:73,452,452, G>T. VCF-style: chr2-73452452-G-T. GRCh37 (hg19) VCF-style: chr2-73679579-G-T.
Other names: c.5928G>T, p.Glu1976Asp (NM_015120.4); short protein forms E1975D, E1976D.
Identifiers: ClinVar variation 3358203 (VCV003358203.1).

ClinVar aggregate classification (germline): Uncertain significance (0 of 4 stars; one submission).

Conditions:
ALMS1-related disorder. Also called: ALMS1-related condition.

Submission:

PreventionGenetics, part of Exact Sciences
Classification: Uncertain significance for ALMS1-related condition. Last evaluated: 2024-06-05. Review status: no assertion criteria provided. Collection method: clinical testing. Allele origin: germline.
Comment: The ALMS1 c.5928G>T variant is predicted to result in the amino acid substitution p.Lys1976Asn. To our knowledge, this variant has not been reported in the literature. This variant is reported in 0.00089% of alleles in individuals of European (Non-Finnish) descent in gnomAD. At this time, the clinical significance of this variant is uncertain due to the absence of conclusive functional and genetic evidence.